The following is an entry in ClinVar:

ClinVar aggregate classification (germline): Uncertain significance. Review status: criteria provided, multiple submitters, no conflicts (2 of 4 stars). 2 submissions from 2 submitters: Uncertain significance (2). Last evaluated 2020-05-20.

Conditions:
Hereditary nonpolyposis colorectal neoplasms. Identifiers: MedGen C0009405, MeSH D003123.
Hereditary cancer-predisposing syndrome. Also called: Neoplastic Syndromes, Hereditary; Hereditary Cancer Syndrome; Tumor predisposition; Hereditary neoplastic syndrome. Identifiers: Orphanet 140162, MedGen C0027672, MeSH D009386, MONDO:0015356.

Submissions (2):

Labcorp Genetics (formerly Invitae), Labcorp
Classification: Uncertain significance for Hereditary nonpolyposis colorectal neoplasms. Last evaluated: 2020-05-20. Review status: criteria provided, single submitter. Criteria: Invitae Variant Classification Sherloc (09022015). Collection method: clinical testing. Allele origin: germline.
Comment: This variant is not present in population databases (ExAC no frequency). In summary, the available evidence is currently insufficient to determine the role of this variant in disease. Therefore, it has been classified as a Variant of Uncertain Significance. Algorithms developed to predict the effect of missense changes on protein structure and function (SIFT, PolyPhen-2, Align-GVGD) all suggest that this variant is likely to be disruptive, but these predictions have not been confirmed by published functional studies and their clinical significance is uncertain. This variant has not been reported in the literature in individuals with MSH6-related conditions. This sequence change replaces leucine with arginine at codon 1308 of the MSH6 protein (p.Leu1308Arg). The leucine residue is moderately conserved and there is a moderate physicochemical difference between leucine and arginine.

Ambry Genetics
Classification: Uncertain significance for Hereditary cancer-predisposing syndrome. Last evaluated: 2019-12-10. Review status: criteria provided, single submitter. Criteria: Ambry Variant Classification Scheme 2023. Collection method: clinical testing. Allele origin: germline.
Comment: The p.L1308R variant (also known as c.3923T>G), located in coding exon 9 of the MSH6 gene, results from a T to G substitution at nucleotide position 3923. The leucine at codon 1308 is replaced by arginine, an amino acid with dissimilar properties. This amino acid position is not well conserved in available vertebrate species. In addition, this alteration is predicted to be deleterious by in silico analysis. Since supporting evidence is limited at this time, the clinical significance of this alteration remains unclear.

NM_000179.3(MSH6):c.3923T>G (p.Leu1308Arg)

Gene: MSH6 (mutS homolog 6; plus strand). Cytogenetic location: 2p16.3.
Variant type: single nucleotide variant.
Coding change: c.3923T>G on transcript NM_000179.3 (MANE Select); coding-DNA position 3923, T replaced by G.
Protein change: p.Leu1308Arg; replaces leucine 1308 with arginine.
Molecular consequence: missense variant.
Genome position (GRCh38, 1-based): chr2:47,806,573, T>G. VCF-style: chr2-47806573-T-G. GRCh37 (hg19) VCF-style: chr2-48033712-T-G.
Other names: c.3533T>G, p.Leu1178Arg (NM_001281492.2); c.3017T>G, p.Leu1006Arg (NM_001281493.2, NM_001281494.2); short protein forms L1178R, L1308R, L1006R.
Identifiers: ClinVar variation 1039753 (VCV001039753.12), dbSNP rs1670124114, ClinGen allele CA346761467.